The following is an entry in ClinVar:

ClinVar aggregate classification (germline): Uncertain significance. Review status: criteria provided, multiple submitters, no conflicts (2 of 4 stars). 2 submissions from 2 submitters: Uncertain significance (2). Last evaluated 2022-11-07.

Conditions:
Inborn genetic diseases. Identifiers: MedGen C0950123, MeSH D030342.

Allele frequency attached by ClinVar (database versions not stated): TOPMed below 0.00001; gnomAD 0.00001; gnomAD exomes 0.00001.
gnomAD v4.1: 4 of 1,613,796 alleles (0.00025%); highest among the groups gnomAD compares: East Asian, 0.0045%; no homozygotes.

Submissions (2):

Ambry Genetics
Classification: Uncertain significance for Inborn genetic diseases. Last evaluated: 2022-11-07. Review status: criteria provided, single submitter. Criteria: Ambry Variant Classification Scheme 2023. Collection method: clinical testing. Allele origin: germline.

Labcorp Genetics (formerly Invitae), Labcorp
Classification: Uncertain significance. Last evaluated: 2022-06-14. Review status: criteria provided, single submitter. Criteria: Invitae Variant Classification Sherloc (09022015). Collection method: clinical testing. Allele origin: germline.
Comment: This sequence change replaces isoleucine, which is neutral and non-polar, with valine, which is neutral and non-polar, at codon 352 of the TOPORS protein (p.Ile352Val). This variant is present in population databases (no rsID available, gnomAD 0.006%). This variant has not been reported in the literature in individuals affected with TOPORS-related conditions. Algorithms developed to predict the effect of missense changes on protein structure and function (SIFT, PolyPhen-2, Align-GVGD) all suggest that this variant is likely to be tolerated. In summary, the available evidence is currently insufficient to determine the role of this variant in disease. Therefore, it has been classified as a Variant of Uncertain Significance.

NM_005802.5(TOPORS):c.1054A>G (p.Ile352Val)

Gene: TOPORS (TOP1 binding arginine/serine rich protein, E3 ubiquitin ligase; minus strand). Cytogenetic location: 9p21.1.
Variant type: single nucleotide variant.
Coding change: c.1054A>G on transcript NM_005802.5 (MANE Select); coding-DNA position 1054, A replaced by G.
Protein change: p.Ile352Val; replaces isoleucine 352 with valine.
Molecular consequence: missense variant.
Genome position (GRCh38, 1-based): chr9:32,543,471, T>C on the plus strand (A>G on the coding strand, the complement: TOPORS is on the minus strand). VCF-style: chr9-32543471-T-C. GRCh37 (hg19) VCF-style: chr9-32543469-T-C.
Other names: c.859A>G, p.Ile287Val (NM_001195622.2); short protein forms I287V, I352V.
Identifiers: ClinVar variation 2006399 (VCV002006399.5), dbSNP rs1166651902, ClinGen allele CA373171282.